The following is an entry in ClinVar:

NM_198994.3(TGM6):c.530G>A (p.Trp177Ter)

Gene: TGM6 (transglutaminase 6; plus strand). Cytogenetic location: 20p13.
Variant type: single nucleotide variant.
Coding change: c.530G>A on transcript NM_198994.3 (MANE Select); coding-DNA position 530, G replaced by A.
Protein change: p.Trp177Ter; replaces tryptophan 177 with a stop codon.
Molecular consequence: nonsense.
Genome position (GRCh38, 1-based): chr20:2,396,611, G>A. VCF-style: chr20-2396611-G-A. GRCh37 (hg19) VCF-style: chr20-2377257-G-A.
Other names: c.530G>A, p.Trp177Ter (NM_001254734.2); short protein forms W177*.
Identifiers: ClinVar variation 5000762 (VCV005000762.1).

ClinVar aggregate classification (germline): Uncertain significance (1 of 4 stars; one submission).

Conditions:
TGM6-related disorder. Also called: TGM6-related condition.

gnomAD v4.1: 1 of 1,614,194 alleles (0.000062%); highest among the groups gnomAD compares: Non-Finnish European, 0.000085%; no homozygotes.

Submission:

PreventionGenetics, part of Exact Sciences
Classification: Uncertain significance for TGM6-related condition. Last evaluated: 2025-12-08. Review status: criteria provided, single submitter. Criteria: ACMG Guidelines, 2015. Collection method: clinical testing. Allele origin: germline.
Comment: The TGM6 c.530G>A variant is predicted to result in premature protein termination (p.Trp177*). To our knowledge, this variant has not been reported in the literature. This variant is reported in 0.00088% of alleles in individuals of European (Non-Finnish) descent in gnomAD. Loss of function variants in TGM6 have not been conclusively associated with disease. At this time, the clinical significance of this variant is uncertain due to the absence of conclusive functional and genetic evidence.